The following is an entry in ClinVar:

NM_000264.5(PTCH1):c.1639A>C (p.Ser547Arg)

Gene: PTCH1 (patched 1; minus strand). Cytogenetic location: 9q22.32.
Variant type: single nucleotide variant.
Coding change: c.1639A>C on transcript NM_000264.5 (MANE Select); coding-DNA position 1639, A replaced by C.
Protein change: p.Ser547Arg; replaces serine 547 with arginine.
Molecular consequence: missense variant. On other transcripts: non-coding transcript variant (1).
Genome position (GRCh38, 1-based): chr9:95,476,123, T>G on the plus strand (A>C on the coding strand, the complement: PTCH1 is on the minus strand). VCF-style: chr9-95476123-T-G. GRCh37 (hg19) VCF-style: chr9-98238405-T-G.
Other names: c.1441A>C, p.Ser481Arg (NM_001083602.3); c.1636A>C, p.Ser546Arg (NM_001083603.3); c.1186A>C, p.Ser396Arg (NM_001083604.3, NM_001083605.3, NM_001083606.3 and 1 more transcripts); c.1483A>C, p.Ser495Arg (NM_001354918.2); short protein forms S396R, S481R, S547R, S495R, S546R.
Identifiers: ClinVar variation 3427301 (VCV003427301.1).

ClinVar aggregate classification (germline): Uncertain significance (1 of 4 stars; one submission).

Conditions:
Hereditary cancer-predisposing syndrome. Also called: Neoplastic Syndromes, Hereditary; Tumor predisposition; Hereditary Cancer Syndrome; Hereditary neoplastic syndrome. Identifiers: Orphanet 140162, MedGen C0027672, MeSH D009386, MONDO:0015356.

Submission:

Ambry Genetics
Classification: Uncertain significance for Hereditary cancer-predisposing syndrome. Last evaluated: 2024-10-28. Review status: criteria provided, single submitter. Criteria: Ambry Variant Classification Scheme 2023. Collection method: clinical testing. Allele origin: germline.
Comment: The p.S547R variant (also known as c.1639A>C), located in coding exon 12 of the PTCH1 gene, results from an A to C substitution at nucleotide position 1639. The serine at codon 547 is replaced by arginine, an amino acid with dissimilar properties. This amino acid position is highly conserved in available vertebrate species. In addition, this alteration is predicted to be deleterious by in silico analysis. Based on the available evidence, the clinical significance of this variant remains unclear.